The following is an entry in ClinVar:

ClinVar aggregate classification (germline): Benign/Likely benign. Review status: criteria provided, multiple submitters, no conflicts (2 of 4 stars). 4 submissions from 4 submitters: Benign (1); Likely benign (3). Last evaluated 2026-02-09.

Conditions:
Hereditary cancer-predisposing syndrome. Also called: Tumor predisposition; Hereditary Cancer Syndrome; Hereditary neoplastic syndrome; Neoplastic Syndromes, Hereditary. Identifiers: Orphanet 140162, MedGen C0027672, MeSH D009386, MONDO:0015356.
Familial adenomatous polyposis 1 (FAP1). Also called: FAMILIAL ADENOMATOUS POLYPOSIS 1, ATTENUATED; POLYPOSIS, ADENOMATOUS INTESTINAL. Identifiers: MedGen C2713442, MONDO:0021056, OMIM 175100. Disease mechanism: loss of function.

Submissions (4):

Ambry Genetics
Classification: Likely benign for Hereditary cancer-predisposing syndrome. Last evaluated: 2026-02-09. Review status: criteria provided, single submitter. Criteria: Ambry Variant Classification Scheme 2023. Collection method: clinical testing. Allele origin: germline.

Labcorp Genetics (formerly Invitae), Labcorp
Classification: Likely benign for Familial adenomatous polyposis 1. Last evaluated: 2025-05-06. Review status: criteria provided, single submitter. Criteria: Invitae Variant Classification Sherloc (09022015). Collection method: clinical testing. Allele origin: germline.

Myriad Genetics, Inc.
Classification: Benign for Familial adenomatous polyposis 1. Last evaluated: 2024-04-02. Review status: criteria provided, single submitter. Criteria: Myriad Autosomal Dominant, Autosomal Recessive and X-Linked Classification Criteria (2023). Collection method: clinical testing. Allele origin: unknown.
Comment: This variant is considered benign. This variant is a silent/synonymous amino acid change and it is not expected to impact splicing.

Color Diagnostics, LLC DBA Color Health
Classification: Likely benign for Hereditary cancer-predisposing syndrome. Last evaluated: 2023-11-13. Review status: criteria provided, single submitter. Criteria: ACMG Guidelines, 2015. Collection method: clinical testing. Allele origin: germline.

NM_000038.6(APC):c.5628G>A (p.Arg1876=)

Gene: APC (APC regulator of Wnt signaling pathway; plus strand). Cytogenetic location: 5q22.2.
Variant type: single nucleotide variant.
Coding change: c.5628G>A on transcript NM_000038.6 (MANE Select); coding-DNA position 5628, G replaced by A.
Protein change: p.Arg1876=; no amino-acid change (arginine 1876 retained).
Molecular consequence: synonymous variant. On other transcripts: non-coding transcript variant (2).
Genome position (GRCh38, 1-based): chr5:112,841,222, G>A. VCF-style: chr5-112841222-G-A. GRCh37 (hg19) VCF-style: chr5-112176919-G-A.
Other names: c.5682G>A, p.Arg1894= (NM_001354896.2, NM_001407447.1, NM_001407448.1 and 1 more transcripts); c.5658G>A, p.Arg1886= (NM_001354897.2); c.5553G>A, p.Arg1851= (NM_001354898.2); c.5544G>A, p.Arg1848= (NM_001354899.2); c.5505G>A, p.Arg1835= (NM_001354900.2); c.5451G>A, p.Arg1817= (NM_001354901.2, NM_001407453.1); c.5355G>A, p.Arg1785= (NM_001354902.2); c.5325G>A, p.Arg1775= (NM_001354903.2, NM_001407458.1, NM_001407459.1 and 1 more transcripts); and 12 more.
Identifiers: ClinVar variation 2734127 (VCV002734127.6), dbSNP rs1064794942, ClinGen allele CA446208979.
Genomic context (GRCh38, chr5:112,841,222, plus strand): 5'-TTCACGAAATGATTCTTTGAGTTCTCTAGATTTTGATGATGATGATGTTGACCTTTCCAG[G>A]GAAAAGGCTGAATTAAGAAAGGCAAAAGAAAATAAGGAATCAGAGGCTAAAGTTACCAGC-3'
Protein context (NP_000029.2, residues 1866-1886): DFDDDDVDLS[Arg1876=]EKAELRKAKE